The following is an entry in ClinVar:

ClinVar aggregate classification (germline): Uncertain significance. Review status: criteria provided, multiple submitters, no conflicts (2 of 4 stars). 2 submissions from 2 submitters: Uncertain significance (2). Last evaluated 2026-06-24.

Conditions:
Inborn genetic diseases. Identifiers: MedGen C0950123, MeSH D030342.

gnomAD v4.1: 18 of 1,613,498 alleles (0.0011%); highest among the groups gnomAD compares: African/African-American, 0.0027%; no homozygotes.

Submissions (2):

Ambry Genetics
Classification: Uncertain significance for Inborn genetic diseases. Last evaluated: 2026-06-24. Review status: criteria provided, single submitter. Criteria: Ambry Variant Classification Scheme 2023. Collection method: clinical testing. Allele origin: germline.
Comment: The c.537C>G (p.H179Q) alteration is located in exon 5 (coding exon 5) of the XPR1 gene. This alteration results from a C to G substitution at nucleotide position 537, causing the histidine (H) at amino acid position 179 to be replaced by a glutamine (Q). Based on data from gnomAD, the G allele has an overall frequency of 0.002% (6/251224) total alleles studied. The highest observed frequency was 0.016% (3/18378) of East Asian alleles. Based on insufficient or conflicting evidence, the clinical significance of this alteration remains unclear.

Labcorp Genetics (formerly Invitae), Labcorp
Classification: Uncertain significance. Last evaluated: 2025-07-27. Review status: criteria provided, single submitter. Criteria: Invitae Variant Classification Sherloc (09022015). Collection method: clinical testing. Allele origin: germline.
Comment: This sequence change replaces histidine, which is basic and polar, with glutamine, which is neutral and polar, at codon 179 of the XPR1 protein (p.His179Gln). This variant is present in population databases (rs754325281, gnomAD 0.02%). This variant has not been reported in the literature in individuals affected with XPR1-related conditions. ClinVar contains an entry for this variant (Variation ID: 2328397). Invitae Evidence Modeling of protein sequence and biophysical properties (such as structural, functional, and spatial information, amino acid conservation, physicochemical variation, residue mobility, and thermodynamic stability) indicates that this missense variant is not expected to disrupt XPR1 protein function with a negative predictive value of 80%. In summary, the available evidence is currently insufficient to determine the role of this variant in disease. Therefore, it has been classified as a Variant of Uncertain Significance.

NM_004736.4(XPR1):c.537C>G (p.His179Gln)

Gene: XPR1 (xenotropic and polytropic retrovirus receptor 1; plus strand). Cytogenetic location: 1q25.3.
Variant type: single nucleotide variant.
Coding change: c.537C>G on transcript NM_004736.4 (MANE Select); coding-DNA position 537, C replaced by G.
Protein change: p.His179Gln; replaces histidine 179 with glutamine.
Molecular consequence: missense variant. On other transcripts: non-coding transcript variant (1).
Genome position (GRCh38, 1-based): chr1:180,806,151, C>G. VCF-style: chr1-180806151-C-G. GRCh37 (hg19) VCF-style: chr1-180775287-C-G.
Other names: c.537C>G, p.His179Gln (NM_001135669.2, NM_001328662.2); short protein forms H179Q.
Identifiers: ClinVar variation 2328397 (VCV002328397.4), dbSNP rs754325281, ClinGen allele CA1272559.
Genomic context (GRCh38, chr1:180,806,151, plus strand): 5'-CCTGAAAAAGCATGACAAGATCCTGGAAACATCTCGTGGAGCAGATTGGCGAGTGGCTCA[C>G]GTAGAGGTGGCCCCATTTTATACATGCAAGAAAATCAACCAGCTTATCTCTGAAACTGAG-3'
Protein context (NP_004727.2, residues 169-189): TSRGADWRVA[His179Gln]VEVAPFYTCK